The following is an entry in ClinVar:

ClinVar aggregate classification (germline): Conflicting classifications of pathogenicity. Review status: criteria provided, conflicting classifications (1 of 4 stars). 3 submissions from 3 submitters: Uncertain significance (1); Likely benign (2). Last evaluated 2024-04-20.

Allele frequency attached by ClinVar (database versions not stated): gnomAD below 0.00001 and 0.00001; ExAC 0.00001; TOPMed 0.00003; gnomAD exomes 0.00004; ESP Exome Variant Server 0.00008.
gnomAD v4.1: 56 of 1,613,960 alleles (0.0035%); highest among the groups gnomAD compares: Middle Eastern, 0.016%; no homozygotes.

Submissions (3):

Labcorp Genetics (formerly Invitae), Labcorp
Classification: Likely benign. Last evaluated: 2024-04-20. Review status: criteria provided, single submitter. Criteria: Invitae Variant Classification Sherloc (09022015). Collection method: clinical testing. Allele origin: germline.

CeGaT Center for Human Genetics Tuebingen
Classification: Likely benign. Last evaluated: 2023-09-01. Review status: criteria provided, single submitter. Criteria: CeGaT Center For Human Genetics Tuebingen Variant Classification Criteria Version 2. Collection method: clinical testing. Allele origin: germline. Affected: yes. Observed: 1 variant allele.
Comment: CAD: BP4, BP7

Eurofins Ntd Llc (ga)
Classification: Uncertain significance. Last evaluated: 2017-08-29. Review status: criteria provided, single submitter. Criteria: EGL Classification Definitions 2015. Collection method: clinical testing. Allele origin: germline. Observed: 1 variant allele, 1 heterozygote.

NM_004341.5(CAD):c.1536C>T (p.Thr512=)

Gene: CAD (carbamoyl-phosphate synthetase 2, aspartate transcarbamylase, and dihydroorotase; plus strand). Cytogenetic location: 2p23.3.
Variant type: single nucleotide variant.
Coding change: c.1536C>T on transcript NM_004341.5 (MANE Select); coding-DNA position 1536, C replaced by T.
Protein change: p.Thr512=; no amino-acid change (threonine 512 retained).
Molecular consequence: synonymous variant.
Genome position (GRCh38, 1-based): chr2:27,225,159, C>T. VCF-style: chr2-27225159-C-T. GRCh37 (hg19) VCF-style: chr2-27448027-C-T.
Other names: c.1536C>T, p.Thr512= (NM_001306079.2).
Identifiers: ClinVar variation 593895 (VCV000593895.32), dbSNP rs368889621, ClinGen allele CA1572744.